The following is an entry in ClinVar:

NM_000133.4(F9):c.724-2A>G

Gene: F9 (coagulation factor IX; plus strand). Cytogenetic location: Xq27.1.
Variant type: single nucleotide variant.
Coding change: c.724-2A>G on transcript NM_000133.4 (MANE Select); the canonical splice acceptor site of the intron before coding-DNA position 724, A replaced by G.
Molecular consequence: splice acceptor variant.
Genome position (GRCh38, 1-based): chrX:139,560,739, A>G. VCF-style: chrX-139560739-A-G. GRCh37 (hg19) VCF-style: chrX-138642898-A-G.
Other names: c.610-2A>G (NM_001313913.2).
Identifiers: ClinVar variation 4783888 (VCV004783888.1).
Genomic context (GRCh38, chrX:139,560,739, plus strand): 5'-ATATTTATTTTTTTCTAGATCAAATGTATTATGCAGTAAGAGTCTTAATTTTGTTTTCAC[A>G]GGTTGTTTTGAATGGTAAAGTTGATGCATTCTGTGGAGGCTCTATCGTTAATGAAAAATG-3'

ClinVar aggregate classification (germline): Pathogenic (1 of 4 stars; one submission).

Conditions:
Hereditary factor IX deficiency disease (HEMB). Also called: Christmas Disease; F9 DEFICIENCY; FACTOR IX DEFICIENCY; PLASMA THROMBOPLASTIN COMPONENT DEFICIENCY; Hemophilia B. Identifiers: Orphanet 98879, MedGen C0008533, MeSH D002836, MONDO:0010604, OMIM 306900.
Thrombophilia, X-linked, due to factor 9 defect. Identifiers: MedGen C2749016, MONDO:0010432, OMIM 300807.

Submission:

Labcorp Genetics (formerly Invitae), Labcorp
Classification: Pathogenic for Thrombophilia, X-linked, due to factor 9 defect; Hereditary factor IX deficiency disease. Last evaluated: 2025-10-01. Review status: criteria provided, single submitter. Criteria: Invitae Variant Classification Sherloc (09022015). Collection method: clinical testing. Allele origin: germline.
Comment: This sequence change affects an acceptor splice site in intron 6 of the F9 gene. It is expected to disrupt RNA splicing. Variants that disrupt the donor or acceptor splice site typically lead to a loss of protein function (PMID: 16199547), and loss-of-function variants in F9 are known to be pathogenic (PMID: 20301668). This variant is not present in population databases (gnomAD no frequency). Disruption of this splice site has been observed in individuals with Hemophilia B (PMID: 10090477; internal data). This variant is also known as A30037G. Algorithms developed to predict the effect of sequence changes on RNA splicing suggest that this variant may disrupt the consensus splice site. For these reasons, this variant has been classified as Pathogenic.

Literature cited by the submitters: PubMed 16199547; PubMed 20301668; PubMed 10090477.